The following is an entry in ClinVar:

NM_022463.5(NXN):c.658C>T (p.Arg220Trp)

Gene: NXN (nucleoredoxin; minus strand). Cytogenetic location: 17p13.3.
Variant type: single nucleotide variant.
Coding change: c.658C>T on transcript NM_022463.5 (MANE Select); coding-DNA position 658, C replaced by T.
Protein change: p.Arg220Trp; replaces arginine 220 with tryptophan.
Molecular consequence: missense variant.
Genome position (GRCh38, 1-based): chr17:822,412, G>A on the plus strand (C>T on the coding strand, the complement: NXN is on the minus strand). VCF-style: chr17-822412-G-A. GRCh37 (hg19) VCF-style: chr17-725652-G-A.
Other names: c.334C>T, p.Arg112Trp (NM_001205319.1); short protein forms R112W, R220W.
Identifiers: ClinVar variation 2979208 (VCV002979208.3), dbSNP rs765517973, ClinGen allele CA8264143.
Genomic context (GRCh38, chr17:822,412, plus strand): 5'-CTGACCTGTCTGCACTAACGAAGATGATCTCGAAGTTCTGGCCTGCCTCCTTGATCTTCC[G>A]GTAGGATTCCACCAGGACCCGGGTGAGGCTTCGGCAGGGCGGACACTGAAAGACAGGACA-3'
Protein context (NP_071908.2, residues 210-230): SLTRVLVESY[Arg220Trp]KIKEAGQNFE

ClinVar aggregate classification (germline): Uncertain significance (1 of 4 stars; one submission).

Allele frequency attached by ClinVar (database versions not stated): TOPMed below 0.00001; gnomAD 0.00001; ExAC 0.00002.
gnomAD v4.1: 13 of 1,613,956 alleles (0.00081%); highest among the groups gnomAD compares: South Asian, 0.0022%; no homozygotes.

Submission:

Labcorp Genetics (formerly Invitae), Labcorp
Classification: Uncertain significance. Last evaluated: 2025-03-29. Review status: criteria provided, single submitter. Criteria: Invitae Variant Classification Sherloc (09022015). Collection method: clinical testing. Allele origin: germline.
Comment: This sequence change replaces arginine, which is basic and polar, with tryptophan, which is neutral and slightly polar, at codon 220 of the NXN protein (p.Arg220Trp). This variant is present in population databases (rs765517973, gnomAD 0.003%). This variant has not been reported in the literature in individuals affected with NXN-related conditions. ClinVar contains an entry for this variant (Variation ID: 2979208). An algorithm developed to predict the effect of missense changes on protein structure and function (PolyPhen-2) suggests that this variant is likely to be tolerated. In summary, the available evidence is currently insufficient to determine the role of this variant in disease. Therefore, it has been classified as a Variant of Uncertain Significance.